The following is an entry in ClinVar:

ClinVar aggregate classification (germline): Pathogenic/Likely pathogenic. Review status: criteria provided, multiple submitters, no conflicts (2 of 4 stars). 4 submissions from 4 submitters: Pathogenic (1); Likely pathogenic (2). 1 of the submissions does not count toward it. Last evaluated 2024-12-11.

Conditions:
DGUOK-related disorder. Also called: DGUOK-related condition.
Mitochondrial DNA depletion syndrome 3 (hepatocerebral type). Also called: Mitochondrial DNA depletion syndrome, hepatocerebral form due to DGUOK deficiency; MITOCHONDRIAL DNA DEPLETION SYNDROME 3; Deoxyguanosine Kinase Deficiency. Identifiers: Orphanet 279934, MedGen CN074093, MONDO:0009636, OMIM 251880.

Allele frequency attached by ClinVar (database versions not stated): gnomAD exomes below 0.00001; TOPMed below 0.00001.
gnomAD v4.1: 4 of 1,612,918 alleles (0.00025%); highest among the groups gnomAD compares: Non-Finnish European, 0.00034%; no homozygotes.

Submissions (4):

Women's Health and Genetics/Laboratory Corporation of America, LabCorp
Classification: Likely pathogenic for Mitochondrial DNA depletion syndrome 3 (hepatocerebral type). Last evaluated: 2024-12-11. Review status: criteria provided, single submitter. Criteria: LabCorp Variant Classification Summary - May 2015. Collection method: clinical testing. Allele origin: germline.
Comment: Variant summary: DGUOK c.797T>G (p.Leu266Arg) results in a non-conservative amino acid change in the encoded protein sequence. Five of five in-silico tools predict a damaging effect of the variant on protein function. The variant was absent in 251430 control chromosomes (gnomAD). c.797T>G has been reported in the literature in individuals affected with Mitochondrial DNA depletion syndrome 3 (Slama_2005, Mousson de Camaret_2007, Manzoni_2024). These data indicate that the variant is likely to be associated with disease. To our knowledge, no experimental evidence demonstrating an impact on protein function has been reported. The following publications have been ascertained in the context of this evaluation (PMID: 16263314, 17073823, 38756539). ClinVar contains an entry for this variant (Variation ID: 253063). Based on the evidence outlined above, the variant was classified as likely pathogenic.

Blueprint Genetics
Classification: Pathogenic for DGUOK-related disorders. Last evaluated: 2024-07-16. Review status: criteria provided, single submitter. Criteria: ACMG Guidelines, 2015. Collection method: clinical testing. Allele origin: germline. Affected: yes. Observed: 3 variant alleles.

Labcorp Genetics (formerly Invitae), Labcorp
Classification: Likely pathogenic. Last evaluated: 2023-04-27. Review status: criteria provided, single submitter. Criteria: Invitae Variant Classification Sherloc (09022015). Collection method: clinical testing. Allele origin: germline.
Comment: In summary, the currently available evidence indicates that the variant is pathogenic, but additional data are needed to prove that conclusively. Therefore, this variant has been classified as Likely Pathogenic. Advanced modeling of protein sequence and biophysical properties (such as structural, functional, and spatial information, amino acid conservation, physicochemical variation, residue mobility, and thermodynamic stability) performed at Invitae indicates that this missense variant is not expected to disrupt DGUOK protein function. ClinVar contains an entry for this variant (Variation ID: 253063). This missense change has been observed in individual(s) with mtDNA depletion syndrome (PMID: 16263314, 17073823). In at least one individual the data is consistent with being in trans (on the opposite chromosome) from a pathogenic variant. This variant is not present in population databases (gnomAD no frequency). This sequence change replaces leucine, which is neutral and non-polar, with arginine, which is basic and polar, at codon 266 of the DGUOK protein (p.Leu266Arg).

OMIM
Classification: Pathogenic for MITOCHONDRIAL DNA DEPLETION SYNDROME 3. Last evaluated: 2007-03-01. Review status: no assertion criteria provided. Collection method: literature only. Allele origin: germline. Not counted in ClinVar's aggregate classification.

Literature cited by the submitters: PubMed 17073823 (cited by 3 submitters); PubMed 16263314 (cited by Women's Health and Genetics/Laboratory Corporation of America, LabCorp and Labcorp Genetics (formerly Invitae), Labcorp); PubMed 38756539 (cited by Women's Health and Genetics/Laboratory Corporation of America, LabCorp).

NM_080916.3(DGUOK):c.797T>G (p.Leu266Arg)

Genes: DGUOK (deoxyguanosine kinase; plus strand), DGUOK-AS1 (DGUOK antisense RNA 1; minus strand). Cytogenetic location: 2p13.1.
Variant type: single nucleotide variant.
Coding change: c.797T>G on transcript NM_080916.3 (MANE Select); coding-DNA position 797, T replaced by G.
Protein change: p.Leu266Arg; replaces leucine 266 with arginine.
Molecular consequence: missense variant. On other transcripts: non-coding transcript variant (6).
Genome position (GRCh38, 1-based): chr2:73,958,235, T>G. VCF-style: chr2-73958235-T-G. GRCh37 (hg19) VCF-style: chr2-74185362-T-G.
Other names: c.515T>G, p.Leu172Arg (NM_001318859.2); c.506T>G, p.Leu169Arg (NM_001318860.2, NM_001318861.2); c.488T>G, p.Leu163Arg (NM_001318862.2, NM_001318863.2); c.533T>G, p.Leu178Arg (NM_080918.3); short protein forms L266R, L163R, L178R, L169R, L172R.
Identifiers: ClinVar variation 253063 (VCV000253063.8), dbSNP rs886037846, ClinGen allele CA10586177.
Genomic context (GRCh38, chr2:73,958,235, plus strand): 5'-CAGTGCTGGTGTTGGATGTCAATGATGATTTTTCTGAGGAAGTAACCAAACAAGAAGACC[T>G]CATGAGAGAGGTGGGAAGGACTTTAACTCCTGTTTTCTGGTGGTTTCCTTTGTTGTACTT-3'
Protein context (NP_550438.1, residues 256-276): FSEEVTKQED[Leu266Arg]MREVNTFVKN